The following is an entry in ClinVar:

NM_002485.5(NBN):c.38-11del

Gene: NBN (nibrin; minus strand). Cytogenetic location: 8q21.3.
Variant type: Deletion.
Coding change: c.38-11del on transcript NM_002485.5 (MANE Select); 11 bases into the intron before coding-DNA position 38, one base deleted (A; older notation c.38-11delA).
Molecular consequence: intron variant.
Genome position (GRCh38, 1-based): chr8:89,982,866, T deleted on the plus strand (A on the coding strand, the reverse complement: NBN is on the minus strand); the first of 9 consecutive T bases (chr8:89,982,866-89,982,874); deleting any one gives the same sequence. VCF-style (leftmost placement, unchanged base first): chr8-89982865-AT-A. GRCh37 (hg19) VCF-style: chr8-90995093-AT-A.
Other names: c.-259-11del (NM_001024688.3).
Identifiers: ClinVar variation 918628 (VCV000918628.11), dbSNP rs752004731, ClinGen allele CA4803070.

ClinVar aggregate classification (germline): Conflicting classifications of pathogenicity. Review status: criteria provided, conflicting classifications (1 of 4 stars). 3 submissions from 3 submitters: Uncertain significance (1); Benign (1); Likely benign (1). Last evaluated 2025-05-05.

Conditions:
Microcephaly, normal intelligence and immunodeficiency (NBS). Also called: SEEMANOVA SYNDROME II; Nijmegen breakage syndrome; Microcephaly with normal intelligence immunodeficiency and lymphoreticular malignancies; Nonsyndromal microcephaly autosomal recessive with normal intelligence; Seemanova syndrome 2; Immunodeficiency, microcephaly with normal intelligence. Identifiers: Orphanet 647, MedGen C0398791, MONDO:0009623, OMIM 251260.

Submissions (3):

Labcorp Genetics (formerly Invitae), Labcorp
Classification: Benign for Microcephaly, normal intelligence and immunodeficiency. Last evaluated: 2025-05-05. Review status: criteria provided, single submitter. Criteria: Invitae Variant Classification Sherloc (09022015). Collection method: clinical testing. Allele origin: germline.

GeneDx
Classification: Uncertain significance. Last evaluated: 2023-04-11. Review status: criteria provided, single submitter. Criteria: GeneDx Variant Classification Process June 2021. Collection method: clinical testing. Allele origin: germline. Affected: yes.
Comment: In silico analysis is inconclusive as to whether the variant alters gene splicing. In the absence of RNA/functional studies, the actual effect of this sequence change is unknown.; Has not been previously published as pathogenic or benign to our knowledge; This variant is associated with the following publications: (PMID: 32277576)

Blueprint Genetics
Classification: Likely benign. Last evaluated: 2022-03-21. Review status: criteria provided, single submitter. Criteria: ACMG Guidelines, 2015. Collection method: clinical testing. Allele origin: germline.